The following is an entry in ClinVar:

NM_005618.4(DLL1):c.1648G>A (p.Ala550Thr)

Gene: DLL1 (delta like canonical Notch ligand 1; minus strand). Cytogenetic location: 6q27.
Variant type: single nucleotide variant.
Coding change: c.1648G>A on transcript NM_005618.4 (MANE Select); coding-DNA position 1648, G replaced by A.
Protein change: p.Ala550Thr; replaces alanine 550 with threonine.
Molecular consequence: missense variant.
Genome position (GRCh38, 1-based): chr6:170,283,631, C>T on the plus strand (G>A on the coding strand, the complement: DLL1 is on the minus strand). VCF-style: chr6-170283631-C-T. GRCh37 (hg19) VCF-style: chr6-170592719-C-T.
Other names: c.1648G>A (NM_005618.3); short protein forms A550T.
Identifiers: ClinVar variation 1412363 (VCV001412363.8), dbSNP rs961819995, ClinGen allele CA152190448.
Genomic context (GRCh38, chr6:170,283,631, plus strand): 5'-GGACGCAGACCACCACAGCGGCACAGCCCAGCAGCAGCATGAGGACAAGGATGACCCCGG[C>T]GCACACGGCCACCCAGGGGAATGGCCCGCCCTGGCCCTCTAGCTTCTCAGTGAGGTCCAC-3'
Protein context (NP_005609.3, residues 540-560): GGPFPWVAVC[Ala550Thr]GVILVLMLLL

ClinVar aggregate classification (germline): Uncertain significance. Review status: criteria provided, multiple submitters, no conflicts (2 of 4 stars). 3 submissions from 3 submitters: Uncertain significance (3). Last evaluated 2025-06-18.

Conditions:
Inborn genetic diseases. Identifiers: MedGen C0950123, MeSH D030342.
Neurodevelopmental disorder with nonspecific brain abnormalities and with or without seizures. Identifiers: MedGen C5231470, MONDO:0032877, OMIM 618709.

Allele frequency attached by ClinVar (database versions not stated): gnomAD exomes 0.00001 and 0.00002; gnomAD 0.00004; TOPMed 0.00005.
gnomAD v4.1: 35 of 1,606,560 alleles (0.0022%); highest among the groups gnomAD compares: Middle Eastern, 0.017%; no homozygotes.

Submissions (3):

Clinical Genomics Laboratory, Washington University in St. Louis
Classification: Uncertain significance for Neurodevelopmental disorder with nonspecific brain abnormalities and with or without seizures. Last evaluated: 2025-06-18. Review status: criteria provided, single submitter. Criteria: ACMG Guidelines, 2015. Collection method: clinical testing. Allele origin: germline.
Comment: The DLL1 c.1648G>A (p.Ala550Thr) variant, to our knowledge, has not been reported in the medical literature. This variant has been reported in the ClinVar database as a germline variant of uncertain significance by two submitters. This variant is only observed on 2/240,056 alleles in the general population (gnomAD v.2.1.1), indicating it is not a common variant. Computational predictors are uncertain as to the impact of this variant on DLL1 function. Due to limited information, and based on ACMG/AMP guidelines for variant interpretation (Richards S et al., PMID: 25741868), the clinical significance of this variant is uncertain at this time.

Labcorp Genetics (formerly Invitae), Labcorp
Classification: Uncertain significance. Last evaluated: 2025-04-23. Review status: criteria provided, single submitter. Criteria: Invitae Variant Classification Sherloc (09022015). Collection method: clinical testing. Allele origin: germline.
Comment: This sequence change replaces alanine, which is neutral and non-polar, with threonine, which is neutral and polar, at codon 550 of the DLL1 protein (p.Ala550Thr). The frequency data for this variant in the population databases is considered unreliable, as metrics indicate poor data quality at this position in the gnomAD database. This variant has not been reported in the literature in individuals affected with DLL1-related conditions. ClinVar contains an entry for this variant (Variation ID: 1412363). An algorithm developed to predict the effect of missense changes on protein structure and function (PolyPhen-2) suggests that this variant is likely to be disruptive. In summary, the available evidence is currently insufficient to determine the role of this variant in disease. Therefore, it has been classified as a Variant of Uncertain Significance.

Ambry Genetics
Classification: Uncertain significance for Inborn genetic diseases. Last evaluated: 2023-04-12. Review status: criteria provided, single submitter. Criteria: Ambry Variant Classification Scheme 2023. Collection method: clinical testing. Allele origin: germline.